The following is an entry in ClinVar:

NM_000528.4(MAN2B1):c.2704C>G (p.Leu902Val)

Genes: MAN2B1 (mannosidase alpha class 2B member 1; minus strand), LOC130063648 (ATAC-STARR-seq lymphoblastoid active region 14063; plus strand). Cytogenetic location: 19p13.13.
Variant type: single nucleotide variant.
Coding change: c.2704C>G on transcript NM_000528.4 (MANE Select); coding-DNA position 2704, C replaced by G.
Protein change: p.Leu902Val; replaces leucine 902 with valine.
Molecular consequence: missense variant.
Genome position (GRCh38, 1-based): chr19:12,647,559, G>C on the plus strand (C>G on the coding strand, the complement: MAN2B1 is on the minus strand). VCF-style: chr19-12647559-G-C. GRCh37 (hg19) VCF-style: chr19-12758373-G-C.
Other names: c.2701C>G, p.Leu901Val (NM_001173498.2); short protein forms L901V, L902V.
Identifiers: ClinVar variation 1395487 (VCV001395487.3), dbSNP rs1301597273, ClinGen allele CA404238096.

ClinVar aggregate classification (germline): Uncertain significance (1 of 4 stars; one submission).

Conditions:
Deficiency of alpha-mannosidase (MANSA). Also called: Alpha-Mannosidosis; Mannosidosis, alpha-, types I and II; LYSOSOMAL ALPHA-D-MANNOSIDASE DEFICIENCY. Identifiers: Orphanet 61, MedGen C0024748, MONDO:0009561, OMIM 248500.

Allele frequency attached by ClinVar (database versions not stated): gnomAD exomes 0.00001.

Submission:

Labcorp Genetics (formerly Invitae), Labcorp
Classification: Uncertain significance for Deficiency of alpha-mannosidase. Last evaluated: 2021-11-27. Review status: criteria provided, single submitter. Criteria: Invitae Variant Classification Sherloc (09022015). Collection method: clinical testing. Allele origin: germline.
Comment: This sequence change replaces leucine, which is neutral and non-polar, with valine, which is neutral and non-polar, at codon 902 of the MAN2B1 protein (p.Leu902Val). This variant is not present in population databases (gnomAD no frequency). This variant has not been reported in the literature in individuals affected with MAN2B1-related conditions. Algorithms developed to predict the effect of missense changes on protein structure and function are either unavailable or do not agree on the potential impact of this missense change (SIFT: "Deleterious"; PolyPhen-2: "Probably Damaging"; Align-GVGD: "Class C0"). In summary, the available evidence is currently insufficient to determine the role of this variant in disease. Therefore, it has been classified as a Variant of Uncertain Significance.